The following is an entry in ClinVar:

NM_001354712.2(THRB):c.1336T>C (p.Cys446Arg)

Gene: THRB (thyroid hormone receptor beta; minus strand). Cytogenetic location: 3p24.2.
Variant type: single nucleotide variant.
Coding change: c.1336T>C on transcript NM_001354712.2 (MANE Select); coding-DNA position 1336, T replaced by C.
Protein change: p.Cys446Arg; replaces cysteine 446 with arginine.
Molecular consequence: missense variant.
Genome position (GRCh38, 1-based): chr3:24,122,934, A>G on the plus strand (T>C on the coding strand, the complement: THRB is on the minus strand). VCF-style: chr3-24122934-A-G. GRCh37 (hg19) VCF-style: chr3-24164425-A-G.
Other names: c.1336T>C, p.Cys446Arg (NM_000461.5, NM_001128176.3, NM_001128177.2 and 6 more transcripts); c.1243T>C, p.Cys415Arg (NM_001354714.2, NM_001354715.2); c.1336T>C (NM_000461.4); short protein forms C446R, C415R.
Identifiers: ClinVar variation 12563 (VCV000012563.3), dbSNP rs121918703, ClinGen allele CA122503.

ClinVar aggregate classification (germline): Pathogenic. Review status: criteria provided, single submitter (1 of 4 stars). 2 submissions from 2 submitters: Pathogenic (1). 1 of the submissions does not count toward it. Last evaluated 2022-12-12.

Conditions:
Thyroid hormone resistance, generalized, autosomal dominant (GRTHD). Also called: HYPERTHYROXINEMIA, FAMILIAL EUTHYROID, SECONDARY TO PITUITARY AND PERIPHERAL RESISTANCE TO THYROID HORMONES. Identifiers: MedGen C2937288, MONDO:0008569, OMIM 188570.

Submissions (2):

GeneDx
Classification: Pathogenic. Last evaluated: 2022-12-12. Review status: criteria provided, single submitter. Criteria: GeneDx Variant Classification Process June 2021. Collection method: clinical testing. Allele origin: germline. Affected: yes.
Comment: Published functional studies demonstrate that this variant abolishes T3 binding and inhibits T3-mediated transcriptional activation (Weiss et al., 1994); Not observed at significant frequency in large population cohorts (gnomAD); In silico analysis supports that this missense variant has a deleterious effect on protein structure/function; This variant is associated with the following publications: (PMID: 26652765, 8175986)

OMIM
Classification: Pathogenic for THYROID HORMONE RESISTANCE, GENERALIZED, AUTOSOMAL DOMINANT. Last evaluated: 1994-05-01. Review status: no assertion criteria provided. Collection method: literature only. Allele origin: germline. Not counted in ClinVar's aggregate classification.

Literature cited by the submitters: PubMed 8175986 (cited by OMIM).